The following is an entry in ClinVar:

NM_000875.5(IGF1R):c.526A>G (p.Lys176Glu)

Gene: IGF1R (insulin like growth factor 1 receptor; plus strand). Cytogenetic location: 15q26.3.
Variant type: single nucleotide variant.
Coding change: c.526A>G on transcript NM_000875.5 (MANE Select); coding-DNA position 526, A replaced by G.
Protein change: p.Lys176Glu; replaces lysine 176 with glutamic acid.
Molecular consequence: missense variant.
Genome position (GRCh38, 1-based): chr15:98,707,993, A>G. VCF-style: chr15-98707993-A-G. GRCh37 (hg19) VCF-style: chr15-99251222-A-G.
Other names: c.526A>G, p.Lys176Glu (NM_001291858.2); short protein forms K176E.
Identifiers: ClinVar variation 2709802 (VCV002709802.3), dbSNP rs1413424650, ClinGen allele CA393697465.
Genomic context (GRCh38, chr15:98,707,993, plus strand): 5'-GACTGGTCCCTGATCCTGGATGCGGTGTCCAATAACTACATTGTGGGGAATAAGCCCCCA[A>G]AGGAATGTGGGGACCTGTGTCCAGGGACCATGGAGGAGAAGCCGATGTGTGAGAAGACCA-3'
Protein context (NP_000866.1, residues 166-186): NNYIVGNKPP[Lys176Glu]ECGDLCPGTM

ClinVar aggregate classification (germline): Uncertain significance (1 of 4 stars; one submission).

Allele frequency attached by ClinVar (database versions not stated): gnomAD exomes below 0.00001.
gnomAD v4.1: 2 of 1,614,110 alleles (0.00012%); highest among the groups gnomAD compares: Non-Finnish European, 0.00017%; no homozygotes.

Submission:

Labcorp Genetics (formerly Invitae), Labcorp
Classification: Uncertain significance. Last evaluated: 2024-01-17. Review status: criteria provided, single submitter. Criteria: Invitae Variant Classification Sherloc (09022015). Collection method: clinical testing. Allele origin: germline.
Comment: This sequence change replaces lysine, which is basic and polar, with glutamic acid, which is acidic and polar, at codon 176 of the IGF1R protein (p.Lys176Glu). This variant is present in population databases (no rsID available, gnomAD 0.0009%). This variant has not been reported in the literature in individuals affected with IGF1R-related conditions. An algorithm developed to predict the effect of missense changes on protein structure and function (PolyPhen-2) suggests that this variant is likely to be tolerated. In summary, the available evidence is currently insufficient to determine the role of this variant in disease. Therefore, it has been classified as a Variant of Uncertain Significance.